The following is an entry in ClinVar:

ClinVar aggregate classification (germline): Uncertain significance. Review status: criteria provided, multiple submitters, no conflicts (2 of 4 stars). 2 submissions from 2 submitters: Uncertain significance (2). Last evaluated 2025-10-22.

Conditions:
Inborn genetic diseases. Identifiers: MedGen C0950123, MeSH D030342.

Allele frequency attached by ClinVar (database versions not stated): TOPMed 0.00002; gnomAD exomes 0.00001; gnomAD 0.00003; ESP Exome Variant Server 0.00008; ExAC 0.00002.
gnomAD v4.1: 22 of 1,613,608 alleles (0.0014%); highest among the groups gnomAD compares: Non-Finnish European, 0.0019%; no homozygotes.

Submissions (2):

Ambry Genetics
Classification: Uncertain significance for Inborn genetic diseases. Last evaluated: 2025-10-22. Review status: criteria provided, single submitter. Criteria: Ambry Variant Classification Scheme 2023. Collection method: clinical testing. Allele origin: germline.

Labcorp Genetics (formerly Invitae), Labcorp
Classification: Uncertain significance. Last evaluated: 2022-08-23. Review status: criteria provided, single submitter. Criteria: Invitae Variant Classification Sherloc (09022015). Collection method: clinical testing. Allele origin: germline.
Comment: This sequence change replaces threonine, which is neutral and polar, with proline, which is neutral and non-polar, at codon 2838 of the FAT4 protein (p.Thr2838Pro). This variant is present in population databases (rs143112169, gnomAD 0.004%). This variant has not been reported in the literature in individuals affected with FAT4-related conditions. Advanced modeling of protein sequence and biophysical properties (such as structural, functional, and spatial information, amino acid conservation, physicochemical variation, residue mobility, and thermodynamic stability) performed at Invitae indicates that this missense variant is not expected to disrupt FAT4 protein function. In summary, the available evidence is currently insufficient to determine the role of this variant in disease. Therefore, it has been classified as a Variant of Uncertain Significance.

NM_001291303.3(FAT4):c.8518A>C (p.Thr2840Pro)

Gene: FAT4 (FAT atypical cadherin 4; plus strand). Cytogenetic location: 4q28.1.
Variant type: single nucleotide variant.
Coding change: c.8518A>C on transcript NM_001291303.3 (MANE Select); coding-DNA position 8518, A replaced by C.
Protein change: p.Thr2840Pro; replaces threonine 2840 with proline.
Molecular consequence: missense variant.
Genome position (GRCh38, 1-based): chr4:125,449,528, A>C. VCF-style: chr4-125449528-A-C. GRCh37 (hg19) VCF-style: chr4-126370683-A-C.
Other names: c.8518A>C, p.Thr2840Pro (NM_001291285.3); c.8512A>C, p.Thr2838Pro (NM_024582.6); c.8512A>C (NM_024582.4); short protein forms T2838P, T2840P.
Identifiers: ClinVar variation 2202733 (VCV002202733.2), dbSNP rs143112169, ClinGen allele CA3073386.
Genomic context (GRCh38, chr4:125,449,528, plus strand): 5'-TTTACAATTAATCCCAGCACAGGGGATATTGTCATAAGCAGACCTTTAAATAGGGAAGAT[A>C]CAGACCGTTACAGAATTCGAGTTTCCGCACATGATTCTGGGTGGACTGTAAGTACAGATG-3'
Protein context (NP_001278232.1, residues 2830-2850): VISRPLNRED[Thr2840Pro]DRYRIRVSAH